The following is an entry in ClinVar:

ClinVar aggregate classification (germline): Likely benign (1 of 4 stars; one submission).

Submission:

GeneDx
Classification: Likely benign. Last evaluated: 2017-02-20. Review status: criteria provided, single submitter. Criteria: GeneDx Variant Classification (06012015). Collection method: clinical testing. Allele origin: germline. Affected: yes.
Comment: This variant is considered likely benign or benign based on one or more of the following criteria: it is a conservative change, it occurs at a poorly conserved position in the protein, it is predicted to be benign by multiple in silico algorithms, and/or has population frequency not consistent with disease.

NM_000051.4(ATM):c.73-19A>G

Gene: ATM (ATM serine/threonine kinase; plus strand). Cytogenetic location: 11q22.3.
Variant type: single nucleotide variant.
Coding change: c.73-19A>G on transcript NM_000051.4 (MANE Select); 19 bases into the intron before coding-DNA position 73, A replaced by G.
Molecular consequence: intron variant.
Genome position (GRCh38, 1-based): chr11:108,227,757, A>G. VCF-style: chr11-108227757-A-G. GRCh37 (hg19) VCF-style: chr11-108098484-A-G.
Other names: c.73-19A>G (NM_001351834.2, NM_001351835.2, NM_001351836.2).
Identifiers: ClinVar variation 507599 (VCV000507599.1), dbSNP rs1555054028, ClinGen allele CA658797773.
Genomic context (GRCh38, chr11:108,227,757, plus strand): 5'-GTAGTAAATTACTTAAATTCAATTTTTCCTTGAAATAAGTGTGATTAGTAACCCATTATT[A>G]TTTCCTTTTTATTTTCAGAAAGAAGTTGAGAAATTTAAGCGCCTGATTCGAGATCCTGAA-3'